The following is an entry in ClinVar:

NM_000070.3(CAPN3):c.469G>A (p.Glu157Lys)

Genes: CAPN3 (calpain 3; plus strand), LOC126862115 (BRD4-independent group 4 enhancer GRCh37_chr15:42677734-42678933; plus strand). Cytogenetic location: 15q15.1.
Variant type: single nucleotide variant.
Coding change: c.469G>A on transcript NM_000070.3 (MANE Select); coding-DNA position 469, G replaced by A.
Protein change: p.Glu157Lys; replaces glutamic acid 157 with lysine.
Molecular consequence: missense variant.
Genome position (GRCh38, 1-based): chr15:42,386,256, G>A. VCF-style: chr15-42386256-G-A. GRCh37 (hg19) VCF-style: chr15-42678454-G-A.
Other names: c.469G>A, p.Glu157Lys (NM_024344.2, NM_173087.2); short protein forms E157K.
Identifiers: ClinVar variation 946918 (VCV000946918.8), dbSNP rs200944841, ClinGen allele CA7511023.

ClinVar aggregate classification (germline): Uncertain significance. Review status: criteria provided, single submitter (1 of 4 stars). 2 submissions from 2 submitters: Uncertain significance (1). 1 of the submissions does not count toward it. Last evaluated 2024-12-03.

Conditions:
Autosomal recessive limb-girdle muscular dystrophy type 2A (LGMDR1). Also called: Calpainopathy; Muscular dystrophy, limb-girdle, type 2A, Amish; LEYDEN-MOEBIUS MUSCULAR DYSTROPHY; MUSCULAR DYSTROPHY, PELVOFEMORAL; Limb-girdle muscular dystrophy, type 2A. Identifiers: Orphanet 267, MedGen C1869123, MONDO:0009675, OMIM 253600. Disease mechanism: loss of function.

Allele frequency attached by ClinVar (database versions not stated): TOPMed below 0.00001; ExAC 0.00001; gnomAD 0.00001; gnomAD exomes 0.00001; ESP Exome Variant Server 0.00015.

Submissions (2):

Labcorp Genetics (formerly Invitae), Labcorp
Classification: Uncertain significance for Autosomal recessive limb-girdle muscular dystrophy type 2A. Last evaluated: 2024-12-03. Review status: criteria provided, single submitter. Criteria: Invitae Variant Classification Sherloc (09022015). Collection method: clinical testing. Allele origin: germline.
Comment: This sequence change replaces glutamic acid, which is acidic and polar, with lysine, which is basic and polar, at codon 157 of the CAPN3 protein (p.Glu157Lys). This variant is present in population databases (rs200944841, gnomAD 0.002%). This variant has not been reported in the literature in individuals affected with CAPN3-related conditions. ClinVar contains an entry for this variant (Variation ID: 946918). Invitae Evidence Modeling of protein sequence and biophysical properties (such as structural, functional, and spatial information, amino acid conservation, physicochemical variation, residue mobility, and thermodynamic stability) indicates that this missense variant is not expected to disrupt CAPN3 protein function with a negative predictive value of 80%. In summary, the available evidence is currently insufficient to determine the role of this variant in disease. Therefore, it has been classified as a Variant of Uncertain Significance.

Natera, Inc.
Classification: Uncertain significance for Limb-girdle muscular dystrophy type 2A. Last evaluated: 2021-09-25. Review status: no assertion criteria provided. Collection method: clinical testing. Allele origin: germline. Not counted in ClinVar's aggregate classification.